The following is an entry in ClinVar:

ClinVar aggregate classification (germline): Pathogenic (1 of 4 stars; one submission).

Allele frequency attached by ClinVar (database versions not stated): gnomAD exomes below 0.00001.

Submission:

Labcorp Genetics (formerly Invitae), Labcorp
Classification: Pathogenic. Last evaluated: 2023-05-22. Review status: criteria provided, single submitter. Criteria: Invitae Variant Classification Sherloc (09022015). Collection method: clinical testing. Allele origin: germline.
Comment: This sequence change creates a premature translational stop signal (p.Ser41Valfs*124) in the SKIV2L gene. It is expected to result in an absent or disrupted protein product. Loss-of-function variants in SKIV2L are known to be pathogenic (PMID: 22444670). This variant is present in population databases (no rsID available, gnomAD 0.003%). This variant has not been reported in the literature in individuals affected with SKIV2L-related conditions. Algorithms developed to predict the effect of sequence changes on RNA splicing suggest that this variant may create or strengthen a splice site. For these reasons, this variant has been classified as Pathogenic.

Literature cited by the submitters: PubMed 22444670.

NM_006929.5(SKIC2):c.121del (p.Ser41fs)

Gene: SKIC2 (SKI2 subunit of superkiller complex; plus strand). Cytogenetic location: 6p21.33.
Variant type: Deletion.
Coding change: c.121del on transcript NM_006929.5 (MANE Select); coding-DNA position 121, one base deleted (A; older notation c.121delA).
Protein change: p.Ser41fs; shifts the reading frame from serine 41.
Molecular consequence: frameshift variant.
Genome position (GRCh38, 1-based): chr6:31,959,395, A deleted. VCF-style (leftmost placement, unchanged base first): chr6-31959394-GA-G. GRCh37 (hg19) VCF-style: chr6-31927171-GA-G.
Other names: short protein forms S41fs.
Identifiers: ClinVar variation 2866918 (VCV002866918.3), dbSNP rs1562650465, ClinGen allele CA566366948.